The following is an entry in ClinVar:

NM_006231.4(POLE):c.5551C>T (p.Gln1851Ter)

Gene: POLE (DNA polymerase epsilon, catalytic subunit; minus strand). Cytogenetic location: 12q24.33.
Variant type: single nucleotide variant.
Coding change: c.5551C>T on transcript NM_006231.4 (MANE Select); coding-DNA position 5551, C replaced by T.
Protein change: p.Gln1851Ter; replaces glutamine 1851 with a stop codon.
Molecular consequence: nonsense.
Genome position (GRCh38, 1-based): chr12:132,639,126, G>A on the plus strand (C>T on the coding strand, the complement: POLE is on the minus strand). VCF-style: chr12-132639126-G-A. GRCh37 (hg19) VCF-style: chr12-133215712-G-A.
Other names: short protein forms Q1851*.
Identifiers: ClinVar variation 4862221 (VCV004862221.1).

ClinVar aggregate classification (germline): Uncertain significance (1 of 4 stars; one submission).

Conditions:
Hereditary cancer-predisposing syndrome. Also called: Neoplastic Syndromes, Hereditary; Tumor predisposition; Hereditary Cancer Syndrome; Hereditary neoplastic syndrome. Identifiers: Orphanet 140162, MedGen C0027672, MeSH D009386, MONDO:0015356.

gnomAD v4.1: 1 of 1,613,922 alleles (0.000062%); highest among the groups gnomAD compares: East Asian, 0.0022%; no homozygotes.

Submission:

Ambry Genetics
Classification: Uncertain significance for Hereditary cancer-predisposing syndrome. Last evaluated: 2026-03-30. Review status: criteria provided, single submitter. Criteria: Ambry Variant Classification Scheme 2023. Collection method: clinical testing. Allele origin: germline.
Comment: The p.Q1851* variant (also known as c.5551C>T), located in coding exon 40 of the POLE gene, results from a C to T substitution at nucleotide position 5551. This changes the amino acid from a glutamine to a stop codon within coding exon 40. This alteration is expected to result in loss of function by premature protein truncation or nonsense-mediated mRNA decay. Although biallelic loss of function of POLE has been associated with autosomal recessive POLE deficiency, haploinsufficiency of POLE has not been established as a mechanism of disease for POLE-related polymerase proofreading-associated polyposis (PPAP) and POLE-related CMMRD-like syndrome. Based on the supporting evidence, this variant is expected to be causative of POLE deficiency when present along with a second pathogenic variant on the other allele; however, its clinical significance for PPAP and POLE-related CMMRD-like syndrome is unclear.